The following is an entry in ClinVar:

ClinVar aggregate classification (germline): Conflicting classifications of pathogenicity. Review status: criteria provided, conflicting classifications (1 of 4 stars). 3 submissions from 3 submitters: Uncertain significance (2); Benign (1). Last evaluated 2024-08-12.

Conditions:
Amyotrophic lateral sclerosis type 4 (ALS4). Also called: AMYOTROPHIC LATERAL SCLEROSIS 4, JUVENILE; NEURONOPATHY, DISTAL HEREDITARY MOTOR, WITH PYRAMIDAL FEATURES. Identifiers: Orphanet 357043, MedGen C1865409, MONDO:0011223, OMIM 602433.
Spinocerebellar ataxia, autosomal recessive, with axonal neuropathy 2 (SCAN2). Also called: Ataxia with Oculomotor Apraxia; Ataxia with Oculomotor Apraxia Type 2; ATAXIA-OCULOMOTOR APRAXIA 2; Ataxia-ocular apraxia-2. Identifiers: Orphanet 64753, MedGen C1853761, MONDO:0018996, OMIM 606002.
Inborn genetic diseases. Identifiers: MedGen C0950123, MeSH D030342.

Allele frequency attached by ClinVar (database versions not stated): gnomAD exomes below 0.00001 and 0.00001; ExAC 0.00001.
gnomAD v4.1: 6 of 1,614,084 alleles (0.00037%); highest among the groups gnomAD compares: African/African-American, 0.0013%; 1 homozygote.

Submissions (3):

Ambry Genetics
Classification: Uncertain significance for Inborn genetic diseases. Last evaluated: 2024-08-12. Review status: criteria provided, single submitter. Criteria: Ambry Variant Classification Scheme 2023. Collection method: clinical testing. Allele origin: germline.

Labcorp Genetics (formerly Invitae), Labcorp
Classification: Benign for Amyotrophic lateral sclerosis type 4; Spinocerebellar ataxia, autosomal recessive, with axonal neuropathy 2. Last evaluated: 2022-12-06. Review status: criteria provided, single submitter. Criteria: Invitae Variant Classification Sherloc (09022015). Collection method: clinical testing. Allele origin: germline.

CeGaT Center for Human Genetics Tuebingen
Classification: Uncertain significance. Last evaluated: 2022-03-01. Review status: criteria provided, single submitter. Criteria: CeGaT Center For Human Genetics Tuebingen Variant Classification Criteria Version 2. Collection method: clinical testing. Allele origin: germline. Affected: yes. Observed: 1 variant allele.
Comment: SETX: PM2, BP4

NM_015046.7(SETX):c.5171G>A (p.Ser1724Asn)

Gene: SETX (senataxin; minus strand). Cytogenetic location: 9q34.13.
Variant type: single nucleotide variant.
Coding change: c.5171G>A on transcript NM_015046.7 (MANE Select); coding-DNA position 5171, G replaced by A.
Protein change: p.Ser1724Asn; replaces serine 1724 with asparagine.
Molecular consequence: missense variant.
Genome position (GRCh38, 1-based): chr9:132,326,427, C>T on the plus strand (G>A on the coding strand, the complement: SETX is on the minus strand). VCF-style: chr9-132326427-C-T. GRCh37 (hg19) VCF-style: chr9-135201814-C-T.
Other names: c.5171G>A, p.Ser1724Asn (NM_001351527.2, NM_001351528.2); c.5171G>A (NM_015046.5); short protein forms S1724N.
Identifiers: ClinVar variation 1429122 (VCV001429122.31), dbSNP rs770527045, ClinGen allele CA5297059.